The following is an entry in ClinVar:

ClinVar aggregate classification (germline): Uncertain significance (1 of 4 stars; one submission).

Allele frequency attached by ClinVar (database versions not stated): gnomAD exomes below 0.00001.
gnomAD v4.1: 3 of 1,606,898 alleles (0.00019%); highest among the groups gnomAD compares: Non-Finnish European, 0.00017%; no homozygotes.

Submission:

Labcorp Genetics (formerly Invitae), Labcorp
Classification: Uncertain significance. Last evaluated: 2020-12-05. Review status: criteria provided, single submitter. Criteria: Invitae Variant Classification Sherloc (09022015). Collection method: clinical testing. Allele origin: germline.
Comment: This sequence change replaces glycine with cysteine at codon 150 of the PITX3 protein (p.Gly150Cys). The glycine residue is highly conserved and there is a large physicochemical difference between glycine and cysteine. In summary, the available evidence is currently insufficient to determine the role of this variant in disease. Therefore, it has been classified as a Variant of Uncertain Significance. Algorithms developed to predict the effect of missense changes on protein structure and function (SIFT, PolyPhen-2, Align-GVGD) all suggest that this variant is likely to be disruptive, but these predictions have not been confirmed by published functional studies and their clinical significance is uncertain. This variant has not been reported in the literature in individuals with PITX3-related conditions. This variant is not present in population databases (ExAC no frequency).

NM_005029.4(PITX3):c.448G>T (p.Gly150Cys)

Genes: GBF1 (golgi brefeldin A resistant guanine nucleotide exchange factor 1; plus strand), PITX3 (paired like homeodomain 3; minus strand). Cytogenetic location: 10q24.32.
Variant type: single nucleotide variant.
Coding change: c.448G>T on transcript NM_005029.4 (MANE Select); coding-DNA position 448, G replaced by T.
Protein change: p.Gly150Cys; replaces glycine 150 with cysteine.
Molecular consequence: missense variant.
Genome position (GRCh38, 1-based): chr10:102,230,975, C>A on the plus strand (G>T on the coding strand, the complement: PITX3 is on the minus strand). VCF-style: chr10-102230975-C-A. GRCh37 (hg19) VCF-style: chr10-103990732-C-A.
Other names: short protein forms G150C.
Identifiers: ClinVar variation 1035812 (VCV001035812.8), dbSNP rs1221330179, ClinGen allele CA378161811.